The following is an entry in ClinVar:

ClinVar aggregate classification (germline): Uncertain significance (1 of 4 stars; one submission).

Conditions:
Spermatogenic failure 18. Identifiers: MedGen C4539783, MONDO:0054615, OMIM 617576.
Ciliary dyskinesia, primary, 37 (CILD37). Also called: CILIARY DYSKINESIA, PRIMARY, 37, WITH OR WITHOUT SITUS INVERSUS. Identifiers: MedGen C4539798, MONDO:0033204, OMIM 617577.

Submission:

Juno Genomics, Hangzhou Juno Genomics, Inc
Classification: Uncertain significance for Spermatogenic failure 18; Ciliary dyskinesia, primary, 37. Review status: criteria provided, single submitter. Criteria: ACMG Guidelines, 2015. Collection method: clinical testing. Allele origin: germline. Affected: yes.
Comment: Absent from controls (or at extremely low frequency if recessive) in Genome Aggregation Database.;For recessive disorders, detected in trans with a pathogenic variant.;Patient's phenotype or family history is highly specific for a disease with a single genetic etiology.

NM_015512.5(DNAH1):c.5199G>T (p.Lys1733Asn)

Gene: DNAH1 (dynein axonemal heavy chain 1; plus strand). Cytogenetic location: 3p21.1.
Variant type: single nucleotide variant.
Coding change: c.5199G>T on transcript NM_015512.5 (MANE Select); coding-DNA position 5199, G replaced by T.
Protein change: p.Lys1733Asn; replaces lysine 1733 with asparagine.
Molecular consequence: missense variant.
Genome position (GRCh38, 1-based): chr3:52,363,099, G>T. VCF-style: chr3-52363099-G-T. GRCh37 (hg19) VCF-style: chr3-52397115-G-T.
Other names: short protein forms K1733N.
Identifiers: ClinVar variation 5019983 (VCV005019983.1).
Genomic context (GRCh38, chr3:52,363,099, plus strand): 5'-GATCACTGAGATCTCCCTCTATTCCTTTGGCTTTAATGAGGCCAGTGTGCTGGCTAAGAA[G>T]ATCACAACCACCTTCAAGCTGTCTTCTGAGCAGCTCAGCTCCCAGGTGTGGTCCTGCCCT-3'
Protein context (NP_056327.4, residues 1723-1743): GFNEASVLAK[Lys1733Asn]ITTTFKLSSE